The following is an entry in ClinVar:

NM_000428.3(LTBP2):c.4964A>G (p.Tyr1655Cys)

Gene: LTBP2 (latent transforming growth factor beta binding protein 2; minus strand). Cytogenetic location: 14q24.3.
Variant type: single nucleotide variant.
Coding change: c.4964A>G on transcript NM_000428.3 (MANE Select); coding-DNA position 4964, A replaced by G.
Protein change: p.Tyr1655Cys; replaces tyrosine 1655 with cysteine.
Molecular consequence: missense variant.
Genome position (GRCh38, 1-based): chr14:74,502,859, T>C on the plus strand (A>G on the coding strand, the complement: LTBP2 is on the minus strand). VCF-style: chr14-74502859-T-C. GRCh37 (hg19) VCF-style: chr14-74969562-T-C.
Other names: short protein forms Y1655C.
Identifiers: ClinVar variation 314268 (VCV000314268.14), dbSNP rs140493259, ClinGen allele CA7268562.
Genomic context (GRCh38, chr14:74,502,859, plus strand): 5'-GGGGCCCCATCTGGGCCATAGATGCTGTAGTGCAGGTCATCGGGCCCGGGGCCATACTCA[T>C]AGCCTGGCCGGAAGTGGACCCCGGCCTCCCGCTCTGCCTCAATGCGAGCCACGTTGCACA-3'
Protein context (NP_000419.1, residues 1645-1665): REAGVHFRPG[Tyr1655Cys]EYGPGPDDLH

ClinVar aggregate classification (germline): Uncertain significance. Review status: criteria provided, multiple submitters, no conflicts (2 of 4 stars). 6 submissions from 5 submitters: Uncertain significance (6). Last evaluated 2026-08-31.

Conditions:
Glaucoma 3, primary congenital, D. Identifiers: Orphanet 98976, MedGen C2751316, MONDO:0013122, OMIM 613086.
Weill-Marchesani syndrome. Also called: WM Syndrome; Mesodermal dysmorphodystrophy congenital. Identifiers: Orphanet 3449, MedGen C0265313, MONDO:0018096.

Allele frequency attached by ClinVar (database versions not stated): 1000 Genomes Project 30x 0.00016; 1000 Genomes Project 0.00020; ExAC 0.00045; gnomAD 0.00050 and 0.00051; TOPMed 0.00051; ESP Exome Variant Server 0.00100.
gnomAD v4.1: 1,015 of 1,613,916 alleles (0.063%); highest among the groups gnomAD compares: Non-Finnish European, 0.074%; no homozygotes.

Submissions (8):

GeneDx
Classification: Uncertain significance. Last evaluated: 2026-08-31. Review status: criteria provided, single submitter. Criteria: GeneDx Variant Classification Process June 2021. Collection method: clinical testing. Allele origin: germline.
Comment: In silico analysis supports a deleterious effect on splicing; In silico analysis supports that this missense variant has a deleterious effect on protein structure/function; Published functional studies demonstrate no damaging effect (PMID: 24908666); This variant is associated with the following publications: (PMID: 24908666, 38796496)

Blueprint Genetics
Classification: Uncertain significance. Last evaluated: 2024-09-20. Review status: criteria provided, single submitter. Criteria: ACMG Guidelines, 2015. Collection method: clinical testing. Allele origin: germline.

Labcorp Genetics (formerly Invitae), Labcorp
Classification: Uncertain significance. Last evaluated: 2022-08-25. Review status: criteria provided, single submitter. Criteria: Invitae Variant Classification Sherloc (09022015). Collection method: clinical testing. Allele origin: germline.
Comment: This sequence change replaces tyrosine, which is neutral and polar, with cysteine, which is neutral and slightly polar, at codon 1655 of the LTBP2 protein (p.Tyr1655Cys). This variant is present in population databases (rs140493259, gnomAD 0.07%), and has an allele count higher than expected for a pathogenic variant. This variant has not been reported in the literature in individuals affected with LTBP2-related conditions. ClinVar contains an entry for this variant (Variation ID: 314268). Algorithms developed to predict the effect of missense changes on protein structure and function (SIFT, PolyPhen-2, Align-GVGD) all suggest that this variant is likely to be disruptive. Algorithms developed to predict the effect of sequence changes on RNA splicing suggest that this variant may create or strengthen a splice site. In summary, the available evidence is currently insufficient to determine the role of this variant in disease. Therefore, it has been classified as a Variant of Uncertain Significance.

Illumina Laboratory Services, Illumina
Classification: Uncertain significance for Glaucoma 3, primary congenital, D. Last evaluated: 2018-01-12. Review status: criteria provided, single submitter. Criteria: ICSL Variant Classification Criteria 13 December 2019. Collection method: clinical testing. Allele origin: germline.

Illumina Laboratory Services, Illumina
Classification: Uncertain significance for Weill-Marchesani syndrome. Last evaluated: 2018-01-12. Review status: criteria provided, single submitter. Criteria: ICSL Variant Classification Criteria 13 December 2019. Collection method: clinical testing. Allele origin: germline.

Breakthrough Genomics
Classification: Uncertain significance. Review status: criteria provided, single submitter. Criteria: ACMG Guidelines, 2015. Collection method: not provided. Allele origin: germline. Inheritance: Autosomal recessive inheritance. Affected: yes.

Dr. Peter K. Rogan Lab, Western University
No classification provided (evidence only). Condition: Thyroid cancer, nonmedullary, 1. Review status: no classification provided. Collection method: in vitro. Allele origin: not applicable. Functional consequence: retained intron. Not counted in ClinVar's aggregate classification.

Dr. Peter K. Rogan Lab, Western University
No classification provided (evidence only). Condition: Cervical cancer. Review status: no classification provided. Collection method: in vitro. Allele origin: not applicable. Functional consequence: retained intron. Not counted in ClinVar's aggregate classification.